The following is an entry in ClinVar:

NR_002196.3(H19):n.1290G>A

Genes: H19 (H19 imprinted maternally expressed transcript; minus strand), MRPL23 (mitochondrial ribosomal protein L23; plus strand). Cytogenetic location: 11p15.5.
Variant type: single nucleotide variant.
Molecular consequence: non-coding transcript variant (on NR_002196.3). On other transcripts: intron variant (1).
Genome position: GRCh38 VCF-style: chr11-1996553-C-T. GRCh37 (hg19) VCF-style: chr11-2017783-C-T.
Other names: c.498-14988C>T (NM_001400176.1).
Identifiers: ClinVar variation 3036456 (VCV003036456.2), dbSNP rs538661579, ClinGen allele CA5817441.

ClinVar aggregate classification (germline): Likely benign (0 of 4 stars; one submission).

Conditions:
H19-related disorder. Also called: H19-related condition.

Allele frequency attached by ClinVar (database versions not stated): 1000 Genomes Project 0.00060.

Submission:

PreventionGenetics, part of Exact Sciences
Classification: Likely benign for H19-related condition. Last evaluated: 2020-06-11. Review status: no assertion criteria provided. Collection method: clinical testing. Allele origin: germline.
Comment: This variant is classified as likely benign based on ACMG/AMP sequence variant interpretation guidelines (Richards et al. 2015 PMID: 25741868, with internal and published modifications).